The following is an entry in ClinVar:

ClinVar aggregate classification (germline): Benign. Review status: criteria provided, multiple submitters, no conflicts (2 of 4 stars). 3 submissions from 3 submitters: Benign (3). Last evaluated 2026-02-04.

Submissions (3):

Labcorp Genetics (formerly Invitae), Labcorp
Classification: Benign. Last evaluated: 2026-02-04. Review status: criteria provided, single submitter. Criteria: Invitae Variant Classification Sherloc (09022015). Collection method: clinical testing. Allele origin: germline.

Women's Health and Genetics/Laboratory Corporation of America, LabCorp
Classification: Benign. Last evaluated: 2025-11-24. Review status: criteria provided, single submitter. Criteria: LabCorp Variant Classification Summary - May 2015. Collection method: clinical testing. Allele origin: germline.

GeneDx
Classification: Benign. Last evaluated: 2017-08-30. Review status: criteria provided, single submitter. Criteria: GeneDx Variant Classification (06012015). Collection method: clinical testing. Allele origin: germline. Affected: yes.
Comment: This variant is considered likely benign or benign based on one or more of the following criteria: it is a conservative change, it occurs at a poorly conserved position in the protein, it is predicted to be benign by multiple in silico algorithms, and/or has population frequency not consistent with disease.

NM_001142800.2(EYS):c.3877+18_3877+22del

Gene: EYS (EGF-like photoreceptor maintenance factor; minus strand). Cytogenetic location: 6q12.
Variant type: Deletion.
Coding change: c.3877+18_3877+22del on transcript NM_001142800.2 (MANE Select); bases 18 to 22 of the intron after coding-DNA position 3877, 5 bases deleted (AGATA; older notation c.3877+18_3877+22delAGATA).
Molecular consequence: intron variant.
Genome position (GRCh38, 1-based): chr6:64,593,095-64,593,099, TATCT deleted on the plus strand (AGATA on the coding strand, the reverse complement: EYS is on the minus strand); deleting any 5 consecutive bases within chr6:64,593,095-64,593,101 gives the same sequence; the c. name uses the placement nearest the transcript's 3' end. VCF-style (leftmost placement, unchanged base first): chr6-64593094-ATATCT-A. GRCh37 (hg19) VCF-style: chr6-65302987-ATATCT-A.
Other names: c.3877+18_3877+22delAGATA (NM_001142800.2, NM_001142800.1); c.3877+18_3877+22del (NM_001292009.2).
Identifiers: ClinVar variation 516058 (VCV000516058.10), dbSNP rs139235690, ClinGen allele CA3877120.